The following is an entry in ClinVar:

ClinVar aggregate classification (germline): Pathogenic (1 of 4 stars; one submission).

Conditions:
Acrocallosal syndrome (ACLS). Also called: Schinzel syndrome 1; Absence of corpus callosum with unusual facial appearance, mental deficiency, duplication of the halluces and polydactyly; HALLUX DUPLICATION, POSTAXIAL POLYDACTYLY, AND ABSENCE OF CORPUS CALLOSUM. Identifiers: Orphanet 36, MedGen C0796147, MONDO:0008708, OMIM 200990.

Submission:

Labcorp Genetics (formerly Invitae), Labcorp
Classification: Pathogenic for Acrocallosal syndrome. Last evaluated: 2025-01-18. Review status: criteria provided, single submitter. Criteria: Invitae Variant Classification Sherloc (09022015). Collection method: clinical testing. Allele origin: germline.
Comment: This sequence change creates a premature translational stop signal (p.Ala11Leufs*171) in the KIF7 gene. It is expected to result in an absent or disrupted protein product. Loss-of-function variants in KIF7 are known to be pathogenic (PMID: 19666503, 21552264, 21633164, 26648833). This variant is not present in population databases (gnomAD no frequency). This variant has not been reported in the literature in individuals affected with KIF7-related conditions. For these reasons, this variant has been classified as Pathogenic.

Literature cited by the submitters: PubMed 19666503; PubMed 21552264; PubMed 21633164; PubMed 26648833.

NM_198525.3(KIF7):c.31del (p.Ala11fs)

Gene: KIF7 (kinesin family member 7; minus strand). Cytogenetic location: 15q26.1.
Variant type: Deletion.
Coding change: c.31del on transcript NM_198525.3 (MANE Select); coding-DNA position 31, one base deleted (G; older notation c.31delG).
Protein change: p.Ala11fs; shifts the reading frame from alanine 11.
Molecular consequence: frameshift variant.
Genome position (GRCh38, 1-based): chr15:89,652,900, C deleted on the plus strand (G on the coding strand, the reverse complement: KIF7 is on the minus strand); the first of 4 consecutive C bases (chr15:89,652,900-89,652,903); deleting any one gives the same sequence. VCF-style (leftmost placement, unchanged base first): chr15-89652899-GC-G. GRCh37 (hg19) VCF-style: chr15-90196130-GC-G.
Other names: short protein forms A11fs.
Identifiers: ClinVar variation 3728560 (VCV003728560.2).